The following is an entry in ClinVar:

NM_020922.5(WNK3):c.4487G>A (p.Cys1496Tyr)

Gene: WNK3 (WNK lysine deficient protein kinase 3; minus strand). Cytogenetic location: Xp11.22.
Variant type: single nucleotide variant.
Coding change: c.4487G>A on transcript NM_020922.5 (MANE Select); coding-DNA position 4487, G replaced by A.
Protein change: p.Cys1496Tyr; replaces cysteine 1496 with tyrosine.
Molecular consequence: missense variant.
Genome position (GRCh38, 1-based): chrX:54,237,079, C>T on the plus strand (G>A on the coding strand, the complement: WNK3 is on the minus strand). VCF-style: chrX-54237079-C-T. GRCh37 (hg19) VCF-style: chrX-54263512-C-T.
Other names: c.4346G>A, p.Cys1449Tyr (NM_001002838.4, NM_001395166.1); short protein forms C1449Y, C1496Y.
Identifiers: ClinVar variation 2502478 (VCV002502478.1), dbSNP rs2520313121, ClinGen allele CA413340864.

ClinVar aggregate classification (germline): Uncertain significance (1 of 4 stars; one submission).

Allele frequency attached by ClinVar (database versions not stated): gnomAD exomes 0.00001.
gnomAD v4.1: 4 of 1,212,026 alleles (0.00033%); highest among the groups gnomAD compares: Non-Finnish European, 0.00045%; no homozygotes.

Submission:

GeneDx
Classification: Uncertain significance. Last evaluated: 2022-11-18. Review status: criteria provided, single submitter. Criteria: GeneDx Variant Classification Process June 2021. Collection method: clinical testing. Allele origin: germline. Affected: yes.
Comment: Not observed at significant frequency in large population cohorts (gnomAD); In silico analysis supports that this missense variant does not alter protein structure/function; Has not been previously published as pathogenic or benign to our knowledge